The following is an entry in ClinVar:

ClinVar aggregate classification (germline): Uncertain significance. Review status: criteria provided, multiple submitters, no conflicts (2 of 4 stars). 2 submissions from 2 submitters: Uncertain significance (2). Last evaluated 2023-12-30.

Conditions:
Autosomal recessive ataxia, Beauce type. Also called: Spinocerebellar ataxia, autosomal recessive 8; ATAXIA, RECESSIVE, OF BEAUCE; SYNE1-Related Autosomal Recessive Cerebellar Ataxia; SYNE1 Deficiency. Identifiers: Orphanet 88644, MedGen C1853116, MONDO:0012549, OMIM 610743.
Emery-Dreifuss muscular dystrophy 4, autosomal dominant (EDMD4). Also called: EMERY-DREIFUSS MUSCULAR DYSTROPHY 4 WITH VARIABLE FEATURES. Identifiers: Orphanet 261, MedGen C2751807, MONDO:0013071, OMIM 612998.

Allele frequency attached by ClinVar (database versions not stated): ExAC 0.00001; gnomAD 0.00001; TOPMed 0.00001; gnomAD exomes 0.00002.
gnomAD v4.1: 9 of 1,613,926 alleles (0.00056%); highest among the groups gnomAD compares: African/African-American, 0.0053%; no homozygotes.

Submissions (2):

Labcorp Genetics (formerly Invitae), Labcorp
Classification: Uncertain significance for Emery-Dreifuss muscular dystrophy 4, autosomal dominant; Autosomal recessive ataxia, Beauce type. Last evaluated: 2023-12-30. Review status: criteria provided, single submitter. Criteria: Invitae Variant Classification Sherloc (09022015). Collection method: clinical testing. Allele origin: germline.
Comment: This sequence change replaces arginine, which is basic and polar, with cysteine, which is neutral and slightly polar, at codon 2069 of the SYNE1 protein (p.Arg2069Cys). This variant is present in population databases (rs746057788, gnomAD 0.009%). This variant has not been reported in the literature in individuals affected with SYNE1-related conditions. ClinVar contains an entry for this variant (Variation ID: 959743). Algorithms developed to predict the effect of missense changes on protein structure and function output the following: SIFT: "Not Available"; PolyPhen-2: "Benign"; Align-GVGD: "Not Available". The cysteine amino acid residue is found in multiple mammalian species, which suggests that this missense change does not adversely affect protein function. In summary, the available evidence is currently insufficient to determine the role of this variant in disease. Therefore, it has been classified as a Variant of Uncertain Significance.

Athena Diagnostics
Classification: Uncertain significance. Last evaluated: 2020-05-06. Review status: criteria provided, single submitter. Criteria: Athena Diagnostics Criteria. Collection method: clinical testing. Allele origin: unknown.

NM_182961.4(SYNE1):c.6184C>T (p.Arg2062Cys)

Gene: SYNE1 (spectrin repeat containing nuclear envelope protein 1; minus strand). Cytogenetic location: 6q25.2.
Variant type: single nucleotide variant.
Coding change: c.6184C>T on transcript NM_182961.4 (MANE Select); coding-DNA position 6184, C replaced by T.
Protein change: p.Arg2062Cys; replaces arginine 2062 with cysteine.
Molecular consequence: missense variant.
Genome position (GRCh38, 1-based): chr6:152,413,398, G>A on the plus strand (C>T on the coding strand, the complement: SYNE1 is on the minus strand). VCF-style: chr6-152413398-G-A. GRCh37 (hg19) VCF-style: chr6-152734533-G-A.
Other names: c.6205C>T, p.Arg2069Cys (NM_033071.5); short protein forms R2062C, R2069C.
Identifiers: ClinVar variation 959743 (VCV000959743.10), dbSNP rs746057788, ClinGen allele CA4058148.
Genomic context (GRCh38, chr6:152,413,398, plus strand): 5'-GGGTTTTGACTTACTTTTCATGAATTAGTCTTTTGGTATCATCCCAGGTGACCTCTAAGC[G>A]GTTTATCTCCCTGTCAACTTCAGGTGCAAAAGCTACATCTTTCTGGGCAATTTGCTTGGC-3'
Protein context (NP_892006.3, residues 2052-2072): FAPEVDREIN[Arg2062Cys]LEVTWDDTKR